The following is an entry in ClinVar:

ClinVar aggregate classification (germline): Pathogenic (1 of 4 stars; one submission).

Submission:

GeneDx
Classification: Pathogenic. Last evaluated: 2018-09-18. Review status: criteria provided, single submitter. Criteria: GeneDx Variant Classification (06012015). Collection method: clinical testing. Allele origin: germline. Affected: yes.
Comment: The c.9679_9766del88 variant in the PLEC gene has not been reported previously as a pathogenic variant nor as a benign variant, to our knowledge. This variant causes a frameshift starting with codon Aspartic acid 3229, changes this amino acid to a Valine residue, and creates a premature Stop codon at position 21 of the new reading frame, denoted p.Asp3229ValfsX21. The c.9679_9766del88 variant is predicted to cause loss of normal protein function through protein truncation. This variant is not observed in large population cohorts (Lek et al., 2016). We interpret c.9679_9766del88 as a pathogenic variant.

NM_201384.3(PLEC):c.9598_9685del (p.Asp3202fs)

Gene: PLEC (plectin; minus strand). Cytogenetic location: 8q24.3.
Variant type: Deletion.
Coding change: c.9598_9685del on transcript NM_201384.3 (MANE Select); coding-DNA positions 9598 to 9685, 88 bases deleted.
Protein change: p.Asp3202fs; shifts the reading frame from aspartic acid 3202.
Molecular consequence: frameshift variant.
Genome position (GRCh38, 1-based): chr8:143,920,136-143,920,223, 88 bases deleted. GRCh37 (hg19): chr8:144,994,307-144,994,394.
Other names: c.9679_9766del, p.Asp3229fs (NM_000445.5); c.9556_9643del, p.Asp3188fs (NM_201378.4); c.9532_9619del, p.Asp3180fs (NM_201379.3); c.10009_10096del, p.Asp3339fs (NM_201380.4); c.9502_9589del, p.Asp3170fs (NM_201381.3); c.9598_9685del, p.Asp3202fs (NM_201382.4); c.9610_9697del, p.Asp3206fs (NM_201383.3); short protein forms D3180fs, D3206fs, D3170fs, D3188fs, D3229fs, D3202fs, D3339fs.
Identifiers: ClinVar variation 817783 (VCV000817783.1), dbSNP rs1586813574, ClinGen allele CA915948705.